The following is an entry in ClinVar:

NM_001042492.3(NF1):c.1898A>C (p.Asp633Ala)

Gene: NF1 (neurofibromin 1; plus strand). Cytogenetic location: 17q11.2.
Variant type: single nucleotide variant.
Coding change: c.1898A>C on transcript NM_001042492.3 (MANE Select); coding-DNA position 1898, A replaced by C.
Protein change: p.Asp633Ala; replaces aspartic acid 633 with alanine.
Molecular consequence: missense variant.
Genome position (GRCh38, 1-based): chr17:31,225,147, A>C. VCF-style: chr17-31225147-A-C. GRCh37 (hg19) VCF-style: chr17-29552165-A-C.
Other names: c.1898A>C, p.Asp633Ala (NM_000267.4); short protein forms D633A.
Identifiers: ClinVar variation 1782195 (VCV001782195.4), dbSNP rs2144026447, ClinGen allele CA399005222.

ClinVar aggregate classification (germline): Uncertain significance. Review status: criteria provided, multiple submitters, no conflicts (2 of 4 stars). 2 submissions from 2 submitters: Uncertain significance (2). Last evaluated 2024-06-07.

Conditions:
Hereditary cancer-predisposing syndrome. Also called: Tumor predisposition; Neoplastic Syndromes, Hereditary; Hereditary Cancer Syndrome; Hereditary neoplastic syndrome. Identifiers: Orphanet 140162, MedGen C0027672, MeSH D009386, MONDO:0015356.
Cardiovascular phenotype. Identifiers: MedGen CN230736.
Neurofibromatosis, type 1 (NF1). Also called: VON RECKLINGHAUSEN DISEASE; NEUROFIBROMATOSIS, TYPE I, SOMATIC; Peripheral type neurofibromatosis; Neurofibromatosis, type I. Identifiers: Orphanet 636, MedGen C0027831, MONDO:0018975, OMIM 162200. Disease mechanism: loss of function.

Submissions (2):

Labcorp Genetics (formerly Invitae), Labcorp
Classification: Uncertain significance for Neurofibromatosis, type 1. Last evaluated: 2024-06-07. Review status: criteria provided, single submitter. Criteria: Invitae Variant Classification Sherloc (09022015). Collection method: clinical testing. Allele origin: germline.
Comment: This sequence change replaces aspartic acid, which is acidic and polar, with alanine, which is neutral and non-polar, at codon 633 of the NF1 protein (p.Asp633Ala). This variant is not present in population databases (gnomAD no frequency). This variant has not been reported in the literature in individuals affected with NF1-related conditions. ClinVar contains an entry for this variant (Variation ID: 1782195). Advanced modeling of protein sequence and biophysical properties (such as structural, functional, and spatial information, amino acid conservation, physicochemical variation, residue mobility, and thermodynamic stability) performed at Invitae indicates that this missense variant is not expected to disrupt NF1 protein function with a negative predictive value of 95%. In summary, the available evidence is currently insufficient to determine the role of this variant in disease. Therefore, it has been classified as a Variant of Uncertain Significance.

Ambry Genetics
Classification: Uncertain significance for Cardiovascular phenotype; Hereditary cancer-predisposing syndrome. Last evaluated: 2022-05-16. Review status: criteria provided, single submitter. Criteria: Ambry Variant Classification Scheme 2023. Collection method: clinical testing. Allele origin: germline.
Comment: The p.D633A variant (also known as c.1898A>C), located in coding exon 17 of the NF1 gene, results from an A to C substitution at nucleotide position 1898. The aspartic acid at codon 633 is replaced by alanine, an amino acid with dissimilar properties. This amino acid position is conserved. In addition, this alteration is predicted to be tolerated by in silico analysis. Since supporting evidence is limited at this time, the clinical significance of this alteration remains unclear.